The following is an entry in ClinVar:

NM_020297.4(ABCC9):c.2251T>A (p.Ser751Thr)

Gene: ABCC9 (ATP binding cassette subfamily C member 9; minus strand). Cytogenetic location: 12p12.1.
Variant type: single nucleotide variant.
Coding change: c.2251T>A on transcript NM_020297.4 (MANE Select); coding-DNA position 2251, T replaced by A.
Protein change: p.Ser751Thr; replaces serine 751 with threonine.
Molecular consequence: missense variant.
Genome position (GRCh38, 1-based): chr12:21,863,041, A>T on the plus strand (T>A on the coding strand, the complement: ABCC9 is on the minus strand). VCF-style: chr12-21863041-A-T. GRCh37 (hg19) VCF-style: chr12-22015975-A-T.
Other names: c.2251T>A, p.Ser751Thr (NM_001377273.1, NM_005691.4); c.1384T>A, p.Ser462Thr (NM_001377274.1); short protein forms S462T, S751T.
Identifiers: ClinVar variation 3618719 (VCV003618719.2).
Genomic context (GRCh38, chr12:21,863,041, plus strand): 5'-TAATATTTTCTTCTACTGTAGCATTTAATAGCCAAGGCTTTTGAGCTGCATATGCCACAG[A>T]GTACCTGTTCCTACTGAAAAATGAAAAAGAAAAAAAAAAACACCAGGATTATGCAAAGGT-3'
Protein context (NP_064693.2, residues 741-761): FEATRSRNRY[Ser751Thr]VAYAAQKPWL

ClinVar aggregate classification (germline): Uncertain significance (1 of 4 stars; one submission).

Conditions:
Dilated cardiomyopathy 1O (CMD1O). Also called: CARDIOMYOPATHY, DILATED, WITH VENTRICULAR TACHYCARDIA. Identifiers: Orphanet 154, MedGen C1837839, MONDO:0012062, OMIM 608569.

Submission:

Labcorp Genetics (formerly Invitae), Labcorp
Classification: Uncertain significance for Dilated cardiomyopathy 1O. Last evaluated: 2024-08-06. Review status: criteria provided, single submitter. Criteria: Invitae Variant Classification Sherloc (09022015). Collection method: clinical testing. Allele origin: germline.
Comment: This sequence change replaces serine, which is neutral and polar, with threonine, which is neutral and polar, at codon 751 of the ABCC9 protein (p.Ser751Thr). This variant is not present in population databases (gnomAD no frequency). This variant has not been reported in the literature in individuals affected with ABCC9-related conditions. Advanced modeling of protein sequence and biophysical properties (such as structural, functional, and spatial information, amino acid conservation, physicochemical variation, residue mobility, and thermodynamic stability) has been performed at Invitae for this missense variant, however the output from this modeling did not meet the statistical confidence thresholds required to predict the impact of this variant on ABCC9 protein function. In summary, the available evidence is currently insufficient to determine the role of this variant in disease. Therefore, it has been classified as a Variant of Uncertain Significance.